The following is an entry in ClinVar:

ClinVar aggregate classification (germline): Uncertain significance (1 of 4 stars; one submission).

Allele frequency attached by ClinVar (database versions not stated): ExAC 0.00002; ESP Exome Variant Server 0.00008; gnomAD 0.00013; TOPMed 0.00015; 1000 Genomes Project 30x 0.00016; 1000 Genomes Project 0.00020; gnomAD exomes 0.00001.
gnomAD v4.1: 40 of 1,613,456 alleles (0.0025%); highest among the groups gnomAD compares: African/African-American, 0.049%; no homozygotes.

Submission:

Labcorp Genetics (formerly Invitae), Labcorp
Classification: Uncertain significance. Last evaluated: 2022-07-19. Review status: criteria provided, single submitter. Criteria: Invitae Variant Classification Sherloc (09022015). Collection method: clinical testing. Allele origin: germline.
Comment: This sequence change replaces glutamic acid, which is acidic and polar, with alanine, which is neutral and non-polar, at codon 432 of the OSBPL2 protein (p.Glu432Ala). In summary, the available evidence is currently insufficient to determine the role of this variant in disease. Therefore, it has been classified as a Variant of Uncertain Significance. Algorithms developed to predict the effect of missense changes on protein structure and function (SIFT, PolyPhen-2, Align-GVGD) all suggest that this variant is likely to be tolerated. This variant has not been reported in the literature in individuals affected with OSBPL2-related conditions. This variant is present in population databases (rs148198284, gnomAD 0.04%).

NM_144498.4(OSBPL2):c.1295A>C (p.Glu432Ala)

Gene: OSBPL2 (oxysterol binding protein like 2; plus strand). Cytogenetic location: 20q13.33.
Variant type: single nucleotide variant.
Coding change: c.1295A>C on transcript NM_144498.4 (MANE Select); coding-DNA position 1295, A replaced by C.
Protein change: p.Glu432Ala; replaces glutamic acid 432 with alanine.
Molecular consequence: missense variant.
Genome position (GRCh38, 1-based): chr20:62,291,748, A>C. VCF-style: chr20-62291748-A-C. GRCh37 (hg19) VCF-style: chr20-60866804-A-C.
Other names: c.895A>C, p.Lys299Gln (NM_001278649.3); c.1019A>C, p.Glu340Ala (NM_001363878.2); c.1259A>C, p.Glu420Ala (NM_014835.5); short protein forms E420A, E432A, K299Q, E340A.
Identifiers: ClinVar variation 1909776 (VCV001909776.5), dbSNP rs148198284, ClinGen allele CA9938773.
Genomic context (GRCh38, chr20:62,291,748, plus strand): 5'-TTGCTTGGATCCTAGATCTGGCCAGCCAGGAGAAGGAGCGGCTGGAGGAGAAGCAGAGAG[A>C]AGCACGGAGGGAGCGGGCCAAGGAGGAGGCAGAGTGGCAGACGAGGTGAGTACTGTGGTA-3'
Protein context (NP_653081.1, residues 422-442): EKERLEEKQR[Glu432Ala]ARRERAKEEA